The following is an entry in ClinVar:

ClinVar aggregate classification (germline): Uncertain significance. Review status: criteria provided, single submitter (1 of 4 stars). 2 submissions from 2 submitters: Uncertain significance (1). 1 of the submissions does not count toward it. Last evaluated 2021-08-28.

Conditions:
Glycogen storage disease, type VII (GSD7). Also called: GSD VII; MUSCLE PHOSPHOFRUCTOKINASE DEFICIENCY; PFKM DEFICIENCY; TARUI DISEASE. Identifiers: Orphanet 371, MedGen C0017926, MONDO:0009295, OMIM 232800.

Allele frequency attached by ClinVar (database versions not stated): gnomAD exomes 0.00001; ExAC 0.00002; gnomAD 0.00002; TOPMed 0.00002; ESP Exome Variant Server 0.00008.
gnomAD v4.1: 21 of 1,613,516 alleles (0.0013%); highest among the groups gnomAD compares: Non-Finnish European, 0.0017%; no homozygotes.

Submissions (2):

Labcorp Genetics (formerly Invitae), Labcorp
Classification: Uncertain significance for Glycogen storage disease, type VII. Last evaluated: 2021-08-28. Review status: criteria provided, single submitter. Criteria: Invitae Variant Classification Sherloc (09022015). Collection method: clinical testing. Allele origin: germline.
Comment: This sequence change replaces lysine with arginine at codon 372 of the PFKM protein (p.Lys372Arg). The lysine residue is moderately conserved and there is a small physicochemical difference between lysine and arginine. This variant is present in population databases (rs375592512, ExAC 0.003%). This variant has not been reported in the literature in individuals affected with PFKM-related conditions. Algorithms developed to predict the effect of missense changes on protein structure and function (SIFT, PolyPhen-2, Align-GVGD) all suggest that this variant is likely to be tolerated. In summary, the available evidence is currently insufficient to determine the role of this variant in disease. Therefore, it has been classified as a Variant of Uncertain Significance.

Natera, Inc.
Classification: Uncertain significance for Glycogen storage disease type VII. Last evaluated: 2021-07-16. Review status: no assertion criteria provided. Collection method: clinical testing. Allele origin: germline. Not counted in ClinVar's aggregate classification.

NM_000289.6(PFKM):c.1115A>G (p.Lys372Arg)

Gene: PFKM (phosphofructokinase, muscle; plus strand). Cytogenetic location: 12q13.11.
Variant type: single nucleotide variant.
Coding change: c.1115A>G on transcript NM_000289.6 (MANE Select); coding-DNA position 1115, A replaced by G.
Protein change: p.Lys372Arg; replaces lysine 372 with arginine.
Molecular consequence: missense variant. On other transcripts: non-coding transcript variant (6).
Genome position (GRCh38, 1-based): chr12:48,139,337, A>G. VCF-style: chr12-48139337-A-G. GRCh37 (hg19) VCF-style: chr12-48533120-A-G.
Other names: c.1328A>G, p.Lys443Arg (NM_001166686.2, NM_001354737.1, NM_001354738.1 and 1 more transcripts); c.1115A>G, p.Lys372Arg (NM_001166687.2, NM_001166688.2, NM_001354742.2 and 2 more transcripts); c.1424A>G, p.Lys475Arg (NM_001354735.1, NM_001354736.1); c.1259A>G, p.Lys420Arg (NM_001354740.1); c.1139A>G, p.Lys380Arg (NM_001354741.2); c.1028A>G, p.Lys343Arg (NM_001354745.2); c.989A>G, p.Lys330Arg (NM_001354746.2); c.965A>G, p.Lys322Arg (NM_001354747.2, NM_001354748.2); and 1 more; short protein forms K420R, K475R, K322R, K343R, K372R, K380R, K443R, K330R.
Identifiers: ClinVar variation 934683 (VCV000934683.9), dbSNP rs375592512, ClinGen allele CA6537216.